The following is an entry in ClinVar:

NM_001110556.2(FLNA):c.841C>G (p.Pro281Ala)

Gene: FLNA (filamin A; minus strand). Cytogenetic location: Xq28.
Variant type: single nucleotide variant.
Coding change: c.841C>G on transcript NM_001110556.2 (MANE Select); coding-DNA position 841, C replaced by G.
Protein change: p.Pro281Ala; replaces proline 281 with alanine.
Molecular consequence: missense variant.
Genome position (GRCh38, 1-based): chrX:154,367,424, G>C on the plus strand (C>G on the coding strand, the complement: FLNA is on the minus strand). VCF-style: chrX-154367424-G-C. GRCh37 (hg19) VCF-style: chrX-153595792-G-C.
Other names: c.841C>G, p.Pro281Ala (NM_001456.4); short protein forms P281A.
Identifiers: ClinVar variation 1338345 (VCV001338345.8), dbSNP rs2067770833, ClinGen allele CA415248373.
Genomic context (GRCh38, chrX:154,367,424, plus strand): 5'-CACACGGGTGCACCCCTGGTGGGGCTCCCTCACCTGGCCCGTAGGCACGGGCTTTCTTCG[G>C]GTTCAGTTTGGGCCGCAAGGGAGCCCCTGGCTTCAGCTTGGCCTTGGGGAACTGGGACAG-3'
Protein context (NP_001104026.1, residues 271-291): PGAPLRPKLN[Pro281Ala]KKARAYGPGI

ClinVar aggregate classification (germline): Uncertain significance. Review status: criteria provided, multiple submitters, no conflicts (2 of 4 stars). 3 submissions from 3 submitters: Uncertain significance (3). Last evaluated 2025-10-21.

Conditions:
Heterotopia, periventricular, X-linked dominant (PVNH1). Also called: PERIVENTRICULAR NODULAR HETEROTOPIA 1; X-linked periventricular heterotopia; PERIVENTRICULAR NODULAR HETEROTOPIA 4; HETEROTOPIA, PERIVENTRICULAR, 1. Identifiers: Orphanet 2149, Orphanet 82004, MedGen C1848213, MONDO:0010233, OMIM 300049.
Oto-palato-digital syndrome, type II (OPD2). Also called: OPD II SYNDROME; Otopalatodigital Syndrome, Type II; Otopalatodigital Syndrome Type 2 (FLNA-OPD2); FACIOPALATOOSSEOUS SYNDROME. Identifiers: Orphanet 669, Orphanet 90652, MedGen C1844696, MONDO:0010571, OMIM 304120.
Melnick-Needles syndrome (MNS). Also called: MELNICK-NEEDLES OSTEODYSPLASTY; OSTEODYSPLASTY OF MELNICK AND NEEDLES; Melnick-Needles Syndrome (FLNA-MNS). Identifiers: Orphanet 2484, MedGen C0025237, MONDO:0010650, OMIM 309350.
Frontometaphyseal dysplasia (FMD1). Identifiers: Orphanet 1826, MedGen C0265293, MONDO:0015942.
Familial thoracic aortic aneurysm and aortic dissection (TAAD). Also called: Thoracic aortic aneurysms and dissections. Identifiers: Orphanet 91387, MedGen C4707243, MONDO:0019625.

Allele frequency attached by ClinVar (database versions not stated): gnomAD 0.00002; TOPMed below 0.00001.
gnomAD v4.1: 2 of 1,210,169 alleles (0.00017%); highest among the groups gnomAD compares: Admixed American, 0.0022%; no homozygotes.

Submissions (3):

Labcorp Genetics (formerly Invitae), Labcorp
Classification: Uncertain significance for Oto-palato-digital syndrome, type II; Heterotopia, periventricular, X-linked dominant; Frontometaphyseal dysplasia; Melnick-Needles syndrome. Last evaluated: 2025-10-21. Review status: criteria provided, single submitter. Criteria: Invitae Variant Classification Sherloc (09022015). Collection method: clinical testing. Allele origin: germline.
Comment: This sequence change replaces proline, which is neutral and non-polar, with alanine, which is neutral and non-polar, at codon 281 of the FLNA protein (p.Pro281Ala). This variant is not present in population databases (gnomAD no frequency). This variant has not been reported in the literature in individuals affected with FLNA-related conditions. ClinVar contains an entry for this variant (Variation ID: 1338345). Invitae Evidence Modeling of protein sequence and biophysical properties (such as structural, functional, and spatial information, amino acid conservation, physicochemical variation, residue mobility, and thermodynamic stability) indicates that this missense variant is not expected to disrupt FLNA protein function with a negative predictive value of 95%. In summary, the available evidence is currently insufficient to determine the role of this variant in disease. Therefore, it has been classified as a Variant of Uncertain Significance.

Ambry Genetics
Classification: Uncertain significance for Familial thoracic aortic aneurysm and aortic dissection. Last evaluated: 2022-04-13. Review status: criteria provided, single submitter. Criteria: Ambry Variant Classification Scheme 2023. Collection method: clinical testing. Allele origin: germline.
Comment: The p.P281A variant (also known as c.841C>G), located in coding exon 4 of the FLNA gene, results from a C to G substitution at nucleotide position 841. The proline at codon 281 is replaced by alanine, an amino acid with highly similar properties. This amino acid position is highly conserved in available vertebrate species. In addition, this alteration is predicted to be tolerated by in silico analysis. Since supporting evidence is limited at this time, the clinical significance of this alteration remains unclear.

Genetic Services Laboratory, University of Chicago
Classification: Uncertain significance. Last evaluated: 2017-12-13. Review status: criteria provided, single submitter. Criteria: ACMG Guidelines, 2015. Collection method: clinical testing. Allele origin: germline. Affected: no.